The following is an entry in ClinVar:

NM_052813.5(CARD9):c.150C>T (p.Ser50=)

Gene: CARD9 (caspase recruitment domain family member 9; minus strand). Cytogenetic location: 9q34.3.
Variant type: single nucleotide variant.
Coding change: c.150C>T on transcript NM_052813.5 (MANE Select); coding-DNA position 150, C replaced by T.
Protein change: p.Ser50=; no amino-acid change (serine 50 retained).
Molecular consequence: synonymous variant.
Genome position (GRCh38, 1-based): chr9:136,371,929, G>A on the plus strand (C>T on the coding strand, the complement: CARD9 is on the minus strand). VCF-style: chr9-136371929-G-A. GRCh37 (hg19) VCF-style: chr9-139266381-G-A.
Other names: c.150C>T (NM_052813.4); c.150C>T, p.Ser50= (NM_052814.4).
Identifiers: ClinVar variation 1580716 (VCV001580716.10), dbSNP rs149255047, ClinGen allele CA5333243.

ClinVar aggregate classification (germline): Likely benign. Review status: criteria provided, single submitter (1 of 4 stars). 2 submissions from 2 submitters: Likely benign (1). 1 of the submissions does not count toward it. Last evaluated 2024-01-24.

Conditions:
CARD9-related disorder. Also called: CARD9-related condition.
Predisposition to invasive fungal disease due to CARD9 deficiency (IMD103). Also called: IMMUNODEFICIENCY 103, SUSCEPTIBILITY TO FUNGAL INFECTIONS; CARD9 IMMUNODEFICIENCY; Candidiasis, familial, 2, autosomal recessive. Identifiers: Orphanet 457088, MedGen C1859353, MONDO:0008905, OMIM 212050.

Allele frequency attached by ClinVar (database versions not stated): ESP Exome Variant Server 0.00008.

Submissions (2):

Labcorp Genetics (formerly Invitae), Labcorp
Classification: Likely benign for Predisposition to invasive fungal disease due to CARD9 deficiency. Last evaluated: 2024-01-24. Review status: criteria provided, single submitter. Criteria: Invitae Variant Classification Sherloc (09022015). Collection method: clinical testing. Allele origin: germline.

PreventionGenetics, part of Exact Sciences
Classification: Likely benign for CARD9-related condition. Last evaluated: 2023-05-17. Review status: no assertion criteria provided. Collection method: clinical testing. Allele origin: germline. Not counted in ClinVar's aggregate classification.
Comment: This variant is classified as likely benign based on ACMG/AMP sequence variant interpretation guidelines (Richards et al. 2015 PMID: 25741868, with internal and published modifications).